The following is an entry in ClinVar:

ClinVar aggregate classification (germline): Uncertain significance (1 of 4 stars; one submission).

Allele frequency attached by ClinVar (database versions not stated): gnomAD exomes below 0.00001.
gnomAD v4.1: 1 of 1,178,029 alleles (0.000085%); highest among the groups gnomAD compares: African/African-American, 0.0018%; no homozygotes.

Submission:

Labcorp Genetics (formerly Invitae), Labcorp
Classification: Uncertain significance. Last evaluated: 2022-09-13. Review status: criteria provided, single submitter. Criteria: Invitae Variant Classification Sherloc (09022015). Collection method: clinical testing. Allele origin: germline.
Comment: In summary, the available evidence is currently insufficient to determine the role of this variant in disease. Therefore, it has been classified as a Variant of Uncertain Significance. Advanced modeling of protein sequence and biophysical properties (such as structural, functional, and spatial information, amino acid conservation, physicochemical variation, residue mobility, and thermodynamic stability) performed at Invitae indicates that this missense variant is not expected to disrupt STAG2 protein function. This variant has not been reported in the literature in individuals affected with STAG2-related conditions. This variant is not present in population databases (gnomAD no frequency). This sequence change replaces valine, which is neutral and non-polar, with isoleucine, which is neutral and non-polar, at codon 687 of the STAG2 protein (p.Val687Ile).

NM_001042750.2(STAG2):c.2059G>A (p.Val687Ile)

Gene: STAG2 (STAG2 cohesin complex component; plus strand). Cytogenetic location: Xq25.
Variant type: single nucleotide variant.
Coding change: c.2059G>A on transcript NM_001042750.2 (MANE Select); coding-DNA position 2059, G replaced by A.
Protein change: p.Val687Ile; replaces valine 687 with isoleucine.
Molecular consequence: missense variant.
Genome position (GRCh38, 1-based): chrX:124,065,909, G>A. VCF-style: chrX-124065909-G-A. GRCh37 (hg19) VCF-style: chrX-123199759-G-A.
Other names: c.2059G>A, p.Val687Ile (NM_001042749.2, NM_001042751.2, NM_001282418.2 and 13 more transcripts); short protein forms V687I.
Identifiers: ClinVar variation 1944497 (VCV001944497.5), dbSNP rs2521884694, ClinGen allele CA414273304.